The following is an entry in ClinVar:

ClinVar aggregate classification (germline): Uncertain significance. Review status: criteria provided, multiple submitters, no conflicts (2 of 4 stars). 2 submissions from 2 submitters: Uncertain significance (2). Last evaluated 2019-12-04.

Conditions:
Cardiovascular phenotype. Identifiers: MedGen CN230736.
Aortic valve disease 2 (AOVD2). Identifiers: MedGen C3542024, MONDO:0013902, OMIM 614823.

Allele frequency attached by ClinVar (database versions not stated): ExAC 0.00001; gnomAD exomes 0.00001 and 0.00003; TOPMed 0.00001.
gnomAD v4.1: 44 of 1,614,156 alleles (0.0027%); highest among the groups gnomAD compares: Non-Finnish European, 0.0036%; no homozygotes.

Submissions (2):

Ambry Genetics
Classification: Uncertain significance for Cardiovascular phenotype. Last evaluated: 2019-12-04. Review status: criteria provided, single submitter. Criteria: Ambry Variant Classification Scheme 2023. Collection method: clinical testing. Allele origin: germline.
Comment: The p.Q362E variant (also known as c.1084C>G), located in coding exon 8 of the TBX5 gene, results from a C to G substitution at nucleotide position 1084. The glutamine at codon 362 is replaced by glutamic acid, an amino acid with highly similar properties. This amino acid position is not well conserved in available vertebrate species. In addition, this alteration is predicted to be tolerated by in silico analysis. Since supporting evidence is limited at this time, the clinical significance of this alteration remains unclear.

Labcorp Genetics (formerly Invitae), Labcorp
Classification: Uncertain significance for Aortic valve disease 2. Last evaluated: 2017-04-07. Review status: criteria provided, single submitter. Criteria: Invitae Variant Classification Sherloc (09022015). Collection method: clinical testing. Allele origin: germline.
Comment: This variant is present in population databases (rs765204502, ExAC 0.001%) but has not been reported in the literature in individuals with a TBX5-related disease. In summary, this variant is a rare missense change that is not predicted to affect protein function. There is no indication that it causes disease, but the available evidence is currently insufficient to prove that conclusively. Therefore, it has been classified as a Variant of Uncertain Significance. Algorithms developed to predict the effect of missense changes on protein structure and function (SIFT, PolyPhen-2, Align-GVGD) all suggest that this variant is likely to be tolerated, but these predictions have not been confirmed by published functional studies. This sequence change replaces glutamine with glutamic acid at codon 362 of the TBX5 protein (p.Gln362Glu). The glutamine residue is moderately conserved and there is a small physicochemical difference between glutamine and glutamic acid.

NM_181486.4(TBX5):c.1084C>G (p.Gln362Glu)

Gene: TBX5 (T-box transcription factor 5; minus strand). Cytogenetic location: 12q24.21.
Variant type: single nucleotide variant.
Coding change: c.1084C>G on transcript NM_181486.4 (MANE Select); coding-DNA position 1084, C replaced by G.
Protein change: p.Gln362Glu; replaces glutamine 362 with glutamic acid.
Molecular consequence: missense variant.
Genome position (GRCh38, 1-based): chr12:114,356,005, G>C on the plus strand (C>G on the coding strand, the complement: TBX5 is on the minus strand). VCF-style: chr12-114356005-G-C. GRCh37 (hg19) VCF-style: chr12-114793810-G-C.
Other names: c.1084C>G, p.Gln362Glu (NM_000192.3); c.934C>G, p.Gln312Glu (NM_080717.4); short protein forms Q362E, Q312E.
Identifiers: ClinVar variation 411101 (VCV000411101.10), dbSNP rs765204502, ClinGen allele CA6809409.